The following is an entry in ClinVar:

ClinVar aggregate classification (germline): Pathogenic (1 of 4 stars; one submission).

Conditions:
Ehlers-Danlos syndrome, type 4 (EDSVASC). Also called: Ehlers-Danlos syndrome vascular type; Ehlers Danlos syndrome, ecchymotic type; Ehlers Danlos syndrome, arterial type; Ehlers Danlos syndrome, Sack-Barabas type; Ehlers-Danlos Syndrome Type IV. Identifiers: Orphanet 286, MedGen C0268338, MONDO:0017314, OMIM 130050.

Submission:

Labcorp Genetics (formerly Invitae), Labcorp
Classification: Pathogenic for Ehlers-Danlos syndrome, type 4. Last evaluated: 2022-02-07. Review status: criteria provided, single submitter. Criteria: Invitae Variant Classification Sherloc (09022015). Collection method: clinical testing. Allele origin: germline.
Comment: This variant is not present in population databases (gnomAD no frequency). This sequence change replaces lysine, which is basic and polar, with asparagine, which is neutral and polar, at codon 779 of the COL3A1 protein (p.Lys779Asn). This variant also falls at the last nucleotide of exon 33, which is part of the consensus splice site for this exon. This missense change has been observed in individual(s) with clinical features of COL3A1-related conditions (Invitae). In at least one individual the variant was observed to be de novo. For these reasons, this variant has been classified as Pathogenic. Variants that disrupt the consensus splice site are a relatively common cause of aberrant splicing (PMID: 17576681, 9536098). Algorithms developed to predict the effect of sequence changes on RNA splicing suggest that this variant may disrupt the consensus splice site. Algorithms developed to predict the effect of missense changes on protein structure and function are either unavailable or do not agree on the potential impact of this missense change (SIFT: "Deleterious"; PolyPhen-2: "Not Available"; Align-GVGD: "Class C65").

Literature cited by the submitters: PubMed 17576681; PubMed 9536098.

NM_000090.4(COL3A1):c.2337G>C (p.Lys779Asn)

Gene: COL3A1 (collagen type III alpha 1 chain; plus strand). Cytogenetic location: 2q32.2.
Variant type: single nucleotide variant.
Coding change: c.2337G>C on transcript NM_000090.4 (MANE Select); coding-DNA position 2337, G replaced by C.
Protein change: p.Lys779Asn; replaces lysine 779 with asparagine.
Molecular consequence: missense variant.
Genome position (GRCh38, 1-based): chr2:189,001,450, G>C. VCF-style: chr2-189001450-G-C. GRCh37 (hg19) VCF-style: chr2-189866176-G-C.
Other names: short protein forms K779N.
Identifiers: ClinVar variation 2057045 (VCV002057045.4), dbSNP rs587779461, ClinGen allele CA349842445.